The following is an entry in ClinVar:

NM_018671.5(UNC45A):c.559G>A (p.Gly187Arg)

Gene: UNC45A (unc-45 myosin chaperone A; plus strand). Cytogenetic location: 15q26.1.
Variant type: single nucleotide variant.
Coding change: c.559G>A on transcript NM_018671.5 (MANE Select); coding-DNA position 559, G replaced by A.
Protein change: p.Gly187Arg; replaces glycine 187 with arginine.
Molecular consequence: missense variant.
Genome position (GRCh38, 1-based): chr15:90,940,345, G>A. VCF-style: chr15-90940345-G-A. GRCh37 (hg19) VCF-style: chr15-91483575-G-A.
Other names: c.514G>A, p.Gly172Arg (NM_001039675.2, NM_001323621.2); c.559G>A, p.Gly187Arg (NM_001323619.1); c.124G>A, p.Gly42Arg (NM_001323620.2); c.559G>A (NM_018671.3); short protein forms G172R, G187R, G42R.
Identifiers: ClinVar variation 1435762 (VCV001435762.5), dbSNP rs770028377, ClinGen allele CA7742588.
Genomic context (GRCh38, chr15:90,940,345, plus strand): 5'-AATGTGCTTCCTTTGACGCAGGCTTCTCAGAACCTGGTGGTGCTGGCCAGGGAGGATGCT[G>A]GAGCGGAGAAGATCTTCCGGAGTAATGGGGTTCAGCTCTTGCAACGTTTACTGGACATGG-3'
Protein context (NP_061141.2, residues 177-197): NLVVLAREDA[Gly187Arg]AEKIFRSNGV

ClinVar aggregate classification (germline): Uncertain significance. Review status: criteria provided, multiple submitters, no conflicts (2 of 4 stars). 2 submissions from 2 submitters: Uncertain significance (2). Last evaluated 2023-12-16.

Conditions:
Inborn genetic diseases. Identifiers: MedGen C0950123, MeSH D030342.

Allele frequency attached by ClinVar (database versions not stated): ExAC 0.00003; gnomAD 0.00003 and 0.00004; gnomAD exomes 0.00003 and 0.00007; TOPMed 0.00005.

Submissions (2):

Ambry Genetics
Classification: Uncertain significance for Inborn genetic diseases. Last evaluated: 2023-12-16. Review status: criteria provided, single submitter. Criteria: Ambry Variant Classification Scheme 2023. Collection method: clinical testing. Allele origin: germline.

Labcorp Genetics (formerly Invitae), Labcorp
Classification: Uncertain significance. Last evaluated: 2021-09-09. Review status: criteria provided, single submitter. Criteria: Invitae Variant Classification Sherloc (09022015). Collection method: clinical testing. Allele origin: germline.
Comment: In summary, the available evidence is currently insufficient to determine the role of this variant in disease. Therefore, it has been classified as a Variant of Uncertain Significance. Experimental studies and prediction algorithms are not available or were not evaluated, and the functional significance of this variant is currently unknown. This variant has not been reported in the literature in individuals affected with UNC45A-related conditions. This variant is present in population databases (rs770028377, ExAC 0.006%). This sequence change replaces glycine with arginine at codon 187 of the UNC45A protein (p.Gly187Arg). The glycine residue is highly conserved and there is a moderate physicochemical difference between glycine and arginine.